The following is an entry in ClinVar:

NM_000264.5(PTCH1):c.258_259del (p.Leu87fs)

Gene: PTCH1 (patched 1; minus strand). Cytogenetic location: 9q22.32.
Variant type: Microsatellite.
Coding change: c.258_259del on transcript NM_000264.5 (MANE Select); coding-DNA positions 258 to 259, 2 bases deleted (CT; older notation c.258_259delCT).
Protein change: p.Leu87fs; shifts the reading frame from leucine 87.
Molecular consequence: frameshift variant. On other transcripts: 5 prime UTR variant (4), non-coding transcript variant (1).
Genome position (GRCh38, 1-based): chr9:95,506,542-95,506,543, AG deleted on the plus strand (CT on the coding strand, the reverse complement: PTCH1 is on the minus strand); deleting any 2 consecutive bases within chr9:95,506,542-95,506,545 gives the same sequence; the c. name uses the placement nearest the transcript's 3' end. VCF-style (leftmost placement, unchanged base first): chr9-95506541-AAG-A. GRCh37 (hg19) VCF-style: chr9-98268823-AAG-A.
Other names: c.258_259del (NM_000264.3); c.60_61del, p.Leu21fs (NM_001083602.3, NM_001354919.2); c.255_256del, p.Leu86fs (NM_001083603.3); c.-198CT[1] (NM_001083604.3, NM_001083605.3, NM_001083606.3 and 1 more transcripts); c.258_259del, p.Leu87fs (NM_001354918.2); short protein forms L87fs, L21fs, L86fs.
Identifiers: ClinVar variation 219697 (VCV000219697.15), dbSNP rs864622212, ClinGen allele CA349814.
Genomic context (GRCh38, chr9:95,506,541, plus strand): 5'-AGGAGGCCCACAACCAAGAACTTGCCGCAGTTTTTTTGAATGTAACAACCCAGTTTAAAT[AAG>A]AGTCTCTGAAACTTCGCTCTCAGCCACAGCGGCGCTTTCCGGCCAGTAGCCTTCCCCTGG-3'

ClinVar aggregate classification (germline): Pathogenic. Review status: criteria provided, multiple submitters, no conflicts (2 of 4 stars). 5 submissions from 5 submitters: Pathogenic (5). Last evaluated 2025-03-24.

Conditions:
Hereditary cancer-predisposing syndrome. Also called: Tumor predisposition; Neoplastic Syndromes, Hereditary; Hereditary Cancer Syndrome; Hereditary neoplastic syndrome. Identifiers: Orphanet 140162, MedGen C0027672, MeSH D009386, MONDO:0015356.
Gorlin syndrome. Also called: Nevoid Basal Cell Carcinoma Syndrome; Basal cell nevus syndrome. Identifiers: Orphanet 377, MedGen C0004779, MONDO:0007187.
PTCH1-related disorder. Also called: PTCH1-related disorders; PTCH1-related condition.
Holoprosencephaly 7 (HPE7). Identifiers: Orphanet 2162, MedGen C1835820, MONDO:0012562, OMIM 610828.

Submissions (5):

Labcorp Genetics (formerly Invitae), Labcorp
Classification: Pathogenic for Gorlin syndrome. Last evaluated: 2025-03-24. Review status: criteria provided, single submitter. Criteria: Invitae Variant Classification Sherloc (09022015). Collection method: clinical testing. Allele origin: germline.
Comment: This sequence change creates a premature translational stop signal (p.Leu87Ilefs*2) in the PTCH1 gene. It is expected to result in an absent or disrupted protein product. Loss-of-function variants in PTCH1 are known to be pathogenic (PMID: 16301862, 16419085). This variant is not present in population databases (gnomAD no frequency). This premature translational stop signal has been observed in individuals with nevoid basal cell carcinoma syndrome (PMID: 8981943, 16301862). ClinVar contains an entry for this variant (Variation ID: 219697). For these reasons, this variant has been classified as Pathogenic.

Blueprint Genetics
Classification: Pathogenic for PTCH1-related disorders. Last evaluated: 2022-03-31. Review status: criteria provided, single submitter. Criteria: ACMG Guidelines, 2015. Collection method: clinical testing. Allele origin: germline. Affected: yes. Observed: 2 variant alleles.

Ambry Genetics
Classification: Pathogenic for Hereditary cancer-predisposing syndrome. Last evaluated: 2020-06-15. Review status: criteria provided, single submitter. Criteria: Ambry Variant Classification Scheme 2023. Collection method: clinical testing. Allele origin: germline.
Comment: The c.258_259delCT pathogenic mutation, located in coding exon 2 of the PTCH1 gene, results from a deletion of two nucleotides at nucleotide positions 258 to 259, causing a translational frameshift with a predicted alternate stop codon (p.L87Ifs*2). This alteration has been reported in several individuals diagnosed with nevoid basal cell-carcinoma (NBCCS) (Wicking C et al. Am J Hum Genet. 1997 Jan;60(1):21-6; Klein RD et al. Genet Med. 2005 Nov-Dec;7(9):611-9; Alonso N et al. Br. J. Dermatol. 2018 01;178:198-206). In addition to the clinical data presented in the literature, this alteration is expected to result in loss of function by premature protein truncation or nonsense-mediated mRNA decay. As such, this alteration is interpreted as a disease-causing mutation.

GeneDx
Classification: Pathogenic. Last evaluated: 2016-11-09. Review status: criteria provided, single submitter. Criteria: GeneDx Variant Classification (06012015). Collection method: clinical testing. Allele origin: germline. Affected: yes.
Comment: The c.258_259delCT pathogenic variant in the PTCH gene has been reported previously in association with Gorlin syndrome using different numbering (Wicking et al., 1997). This deletion causes a frameshift starting with codon Leucine 87, changes this amino acid to an Isoleucine residue and creates a premature Stop codon at position 2 of the new reading frame, denoted p.Leu87IlefsX2. The c.258_259delCT variant was not observed in approximately 6,500 individuals of European and African American ancestry in the NHLBI Exome Sequencing Project, indicating it is not a common benign variant in these populations. It is predicted to result in nonsense-mediated mRNA decay or in premature protein truncation.

3billion
Classification: Pathogenic for Holoprosencephaly 7. Review status: criteria provided, single submitter. Criteria: ACMG Guidelines, 2015. Collection method: clinical testing. Allele origin: unknown. Affected: yes. Observed: 1 heterozygote.
Comment: The variant is not observed in the gnomAD v2.1.1 dataset. The variant is predicted to result in a loss or disruption of normal protein function through nonsense-mediated decay (NMD) or protein truncation. Multiple pathogenic variants are reported downstream of the variant. The variant has been reported at least twice as pathogenic without evidence for the classification (ClinVar ID: VCV000219697 / PMID: 8981943). Therefore, this variant is classified as Pathogenic according to the recommendation of ACMG/AMP guideline.

Literature cited by the submitters: PubMed 16301862 (cited by Labcorp Genetics (formerly Invitae), Labcorp and Ambry Genetics); PubMed 16419085 (cited by Labcorp Genetics (formerly Invitae), Labcorp); PubMed 8981943 (cited by 3 submitters); PubMed 27533646 (cited by Ambry Genetics); PubMed 28733979 (cited by Ambry Genetics).